The following is an entry in ClinVar:

NM_001253697.2(ERBIN):c.2008C>G (p.Leu670Val)

Gene: ERBIN (erbb2 interacting protein; plus strand). Cytogenetic location: 5q12.3.
Variant type: single nucleotide variant.
Coding change: c.2008C>G on transcript NM_001253697.2 (MANE Select); coding-DNA position 2008, C replaced by G.
Protein change: p.Leu670Val; replaces leucine 670 with valine.
Molecular consequence: missense variant.
Genome position (GRCh38, 1-based): chr5:66,050,887, C>G. VCF-style: chr5-66050887-C-G. GRCh37 (hg19) VCF-style: chr5-65346715-C-G.
Other names: c.2008C>G, p.Leu670Val (NM_001006600.3, NM_001253698.2, NM_001253699.2 and 1 more transcripts); c.1996C>G, p.Leu666Val (NM_001253701.2); short protein forms L670V, L666V.
Identifiers: ClinVar variation 1038397 (VCV001038397.8), dbSNP rs1005923573, ClinGen allele CA119865524.

ClinVar aggregate classification (germline): Uncertain significance (1 of 4 stars; one submission).

Allele frequency attached by ClinVar (database versions not stated): gnomAD exomes below 0.00001; gnomAD 0.00002; TOPMed 0.00002.
gnomAD v4.1: 5 of 1,606,244 alleles (0.00031%); highest among the groups gnomAD compares: African/African-American, 0.0054%; no homozygotes.

Submission:

Labcorp Genetics (formerly Invitae), Labcorp
Classification: Uncertain significance. Last evaluated: 2020-10-19. Review status: criteria provided, single submitter. Criteria: Invitae Variant Classification Sherloc (09022015). Collection method: clinical testing. Allele origin: germline.
Comment: In summary, the available evidence is currently insufficient to determine the role of this variant in disease. Therefore, it has been classified as a Variant of Uncertain Significance. This sequence change replaces leucine with valine at codon 670 of the ERBIN protein (p.Leu670Val). The leucine residue is moderately conserved and there is a small physicochemical difference between leucine and valine. This variant is not present in population databases (ExAC no frequency). This variant has not been reported in the literature in individuals with ERBIN-related conditions. Algorithms developed to predict the effect of missense changes on protein structure and function are either unavailable or do not agree on the potential impact of this missense change (SIFT: "Deleterious"; PolyPhen-2: "Probably Damaging"; Align-GVGD: "Class C0").